The following is an entry in ClinVar:

NM_001267550.2(TTN):c.10395del (p.Ser3466fs)

Gene: TTN (titin; minus strand). Cytogenetic location: 2q31.2.
Variant type: Deletion.
Coding change: c.10395del on transcript NM_001267550.2 (MANE Select); coding-DNA position 10395, one base deleted (C; older notation c.10395delC).
Protein change: p.Ser3466fs; shifts the reading frame from serine 3466.
Molecular consequence: frameshift variant. On other transcripts: intron variant (5).
Genome position (GRCh38, 1-based): chr2:178,757,825, G deleted on the plus strand (C on the coding strand, the reverse complement: TTN is on the minus strand); the first of 3 consecutive G bases (chr2:178,757,825-178,757,827); deleting any one gives the same sequence. VCF-style (leftmost placement, unchanged base first): chr2-178757824-TG-T. GRCh37 (hg19) VCF-style: chr2-179622551-TG-T.
Other names: c.10257del, p.Ser3420fs (NM_133432.3); c.10165+1159del (NM_003319.4); c.10166-1028del (NM_133437.4); c.10303+1159del (NM_133378.4, NM_001256850.1, NM_133379.5); short protein forms S3420fs, S3466fs.
Identifiers: ClinVar variation 1053933 (VCV001053933.8), dbSNP rs2087781053, ClinGen allele CA1310609586.
Genomic context (GRCh38, chr2:178,757,824, plus strand): 5'-CATGAAATCTGACTGTCTCCCCGTTGTGCACCCTGAGGCTTGACAGAGGCTGGATGAAGC[TG>T]GGCTTTTGGCCAAGGGGCTCCTTCTTAAATGAAACTGATAAAGAGACATGCCATTGGGAG-3'

ClinVar aggregate classification (germline): Uncertain significance (1 of 4 stars; one submission).

Conditions:
Dilated cardiomyopathy 1G (CMD1G). Identifiers: Orphanet 154, MedGen C1858763, MONDO:0011400, OMIM 604145.
Autosomal recessive limb-girdle muscular dystrophy type 2J (LGMDR10). Also called: Limb-girdle muscular dystrophy, type 2J; MUSCULAR DYSTROPHY, LIMB-GIRDLE, AUTOSOMAL RECESSIVE 10. Identifiers: Orphanet 140922, MedGen C1837342, MONDO:0012127, OMIM 608807.

Submission:

Labcorp Genetics (formerly Invitae), Labcorp
Classification: Uncertain significance for Dilated cardiomyopathy 1G; Autosomal recessive limb-girdle muscular dystrophy type 2J. Last evaluated: 2020-08-20. Review status: criteria provided, single submitter. Criteria: Invitae Variant Classification Sherloc (09022015). Collection method: clinical testing. Allele origin: germline.
Comment: In summary, the available evidence is currently insufficient to determine the role of this variant in disease. Therefore, it has been classified as a Variant of Uncertain Significance. This variant is located in the I band of TTN (PMID: 25589632). Truncating variants in this region have been shown to be highly prevalent in the general population and unaffected individuals (PMID: 26701604, 22335739). However, truncating variants in this region have also been reported in individuals affected with autosomal recessive centronuclear myopathy (PMID: 23975875). This variant has not been reported in the literature in individuals with TTN-related conditions. This variant is not present in population databases (ExAC no frequency). This sequence change results in a premature translational stop signal in the TTN gene (p.Ser3466Alafs*39). While this is not anticipated to result in nonsense mediated decay, it is expected to create a truncated TTN protein.

Literature cited by the submitters: PubMed 25589632; PubMed 26701604; PubMed 22335739; PubMed 23975875.